The following is an entry in ClinVar:

NM_000038.6(APC):c.7109G>T (p.Gly2370Val)

Gene: APC (APC regulator of Wnt signaling pathway; plus strand). Cytogenetic location: 5q22.2.
Variant type: single nucleotide variant.
Coding change: c.7109G>T on transcript NM_000038.6 (MANE Select); coding-DNA position 7109, G replaced by T.
Protein change: p.Gly2370Val; replaces glycine 2370 with valine.
Molecular consequence: missense variant.
Genome position (GRCh38, 1-based): chr5:112,842,703, G>T. VCF-style: chr5-112842703-G-T. GRCh37 (hg19) VCF-style: chr5-112178400-G-T.
Other names: p.Gly2370Val; c.7109G>T, p.Gly2370Val (NM_001127510.3, NM_001354895.2); c.7055G>T, p.Gly2352Val (NM_001127511.3); c.7163G>T, p.Gly2388Val (NM_001354896.2); c.7139G>T, p.Gly2380Val (NM_001354897.2); c.7034G>T, p.Gly2345Val (NM_001354898.2); c.7025G>T, p.Gly2342Val (NM_001354899.2); c.6986G>T, p.Gly2329Val (NM_001354900.2); and 6 more; short protein forms G2352V, G2370V, G2087V, G2269V, G2388V, G2210V, G2311V, G2329V.
Identifiers: ClinVar variation 236640 (VCV000236640.30), dbSNP rs140079759, ClinGen allele CA046963.

ClinVar aggregate classification (germline): Conflicting classifications of pathogenicity. Review status: criteria provided, conflicting classifications (1 of 4 stars). 11 submissions from 11 submitters: Uncertain significance (1); Benign (1); Likely benign (8). 1 of the submissions does not count toward it. Last evaluated 2026-01-31.

Conditions:
APC-related disorder. Also called: APC-related condition.
Hereditary cancer-predisposing syndrome. Also called: Neoplastic Syndromes, Hereditary; Hereditary Cancer Syndrome; Tumor predisposition; Hereditary neoplastic syndrome. Identifiers: Orphanet 140162, MedGen C0027672, MeSH D009386, MONDO:0015356.
Familial adenomatous polyposis 1 (FAP1). Also called: FAMILIAL ADENOMATOUS POLYPOSIS 1, ATTENUATED; POLYPOSIS, ADENOMATOUS INTESTINAL. Identifiers: MedGen C2713442, MONDO:0021056, OMIM 175100. Disease mechanism: loss of function.

Allele frequency attached by ClinVar (database versions not stated): ExAC 0.00002; gnomAD exomes 0.00002 and 0.00003; gnomAD 0.00012 and 0.00014; ESP Exome Variant Server 0.00015; TOPMed 0.00019.
gnomAD v4.1: 44 of 1,613,238 alleles (0.0027%); highest among the groups gnomAD compares: African/African-American, 0.055%; no homozygotes.

Submissions (11):

Labcorp Genetics (formerly Invitae), Labcorp
Classification: Likely benign for Familial adenomatous polyposis 1. Last evaluated: 2026-01-31. Review status: criteria provided, single submitter. Criteria: Invitae Variant Classification Sherloc (09022015). Collection method: clinical testing. Allele origin: germline.

Mayo Clinic Laboratories, Mayo Clinic
Classification: Likely benign. Last evaluated: 2024-11-17. Review status: criteria provided, single submitter. Criteria: ACMG Guidelines, 2015. Collection method: clinical testing. Allele origin: germline. Observed: 1 variant allele.
Comment: BS1, BP1

Women's Health and Genetics/Laboratory Corporation of America, LabCorp
Classification: Likely benign. Last evaluated: 2024-09-03. Review status: criteria provided, single submitter. Criteria: LabCorp Variant Classification Summary - May 2015. Collection method: clinical testing. Allele origin: germline.
Comment: Variant summary: APC c.7109G>T (p.Gly2370Val) results in a non-conservative amino acid change located in the Adenomatous polyposis coli protein basic domain of the encoded protein sequence. Three of five in-silico tools predict a damaging effect of the variant on protein function. The variant allele was found at a frequency of 2.7e-05 in 1613238 control chromosomes, predominantly at a frequency of 0.00055 within the African or African-American subpopulation in the gnomAD database (v4). The observed variant frequency within African or African-American control individuals in the gnomAD database is approximately 8 fold of the estimated maximal expected allele frequency for a pathogenic variant in APC causing Familial Adenomatous Polyposis phenotype (7.1e-05). c.7109G>T has been reported in the literature in one individual affected with breast cancer (Tung_2015). These report(s) do not provide unequivocal conclusions about association of the variant with Familial Adenomatous Polyposis. To our knowledge, no experimental evidence demonstrating an impact on protein function has been reported. The following publication have been ascertained in the context of this evaluation (PMID: 25186627). ClinVar contains an entry for this variant (Variation ID: 236640). Based on the evidence outlined above, the variant was classified as likely benign.

Myriad Genetics, Inc.
Classification: Likely benign for Familial adenomatous polyposis 1. Last evaluated: 2024-04-08. Review status: criteria provided, single submitter. Criteria: Myriad Autosomal Dominant, Autosomal Recessive and X-Linked Classification Criteria (2023). Collection method: clinical testing. Allele origin: unknown.
Comment: This variant is considered likely benign. This variant has been observed at a population frequency that is significantly greater than expected given the associated disease prevalence and penetrance.

Blueprint Genetics
Classification: Likely benign. Last evaluated: 2023-06-06. Review status: criteria provided, single submitter. Criteria: ACMG Guidelines, 2015. Collection method: clinical testing. Allele origin: germline.

Quest Diagnostics Nichols Institute San Juan Capistrano
Classification: Likely benign. Last evaluated: 2022-09-21. Review status: criteria provided, single submitter. Criteria: Quest Diagnostics criteria. Collection method: clinical testing. Allele origin: unknown.

Color Diagnostics, LLC DBA Color Health
Classification: Likely benign for Hereditary cancer-predisposing syndrome. Last evaluated: 2022-09-12. Review status: criteria provided, single submitter. Criteria: ACMG Guidelines, 2015. Collection method: clinical testing. Allele origin: germline.

Ambry Genetics
Classification: Benign for Hereditary cancer-predisposing syndrome. Last evaluated: 2021-08-09. Review status: criteria provided, single submitter. Criteria: Ambry Variant Classification Scheme 2023. Collection method: clinical testing. Allele origin: germline.

St. Jude Molecular Pathology, St. Jude Children's Research Hospital
Classification: Uncertain significance for Familial adenomatous polyposis 1. Last evaluated: 2021-08-03. Review status: criteria provided, single submitter. Criteria: St. Jude Assertion Criteria 2020. Collection method: clinical testing. Allele origin: germline.

GeneDx
Classification: Likely benign. Last evaluated: 2020-01-18. Review status: criteria provided, single submitter. Criteria: GeneDx Variant Classification Process June 2021. Collection method: clinical testing. Allele origin: germline. Affected: yes.

PreventionGenetics, part of Exact Sciences
Classification: Likely benign for APC-related condition. Last evaluated: 2024-06-26. Review status: no assertion criteria provided. Collection method: clinical testing. Allele origin: germline. Not counted in ClinVar's aggregate classification.
Comment: This variant is classified as likely benign based on ACMG/AMP sequence variant interpretation guidelines (Richards et al. 2015 PMID: 25741868, with internal and published modifications).

Literature cited by the submitters: PubMed 25186627 (cited by 3 submitters).